The following is an entry in ClinVar:

NM_001022.4(RPS19):c.20_22delinsCTCCAGCATCCAGTT (p.Lys7_Asp8delinsThrProAlaSerSerTyr)

Genes: RPS19 (ribosomal protein S19; plus strand), RPS19-CD79A (RPS19-CD79A readthrough; plus strand). Cytogenetic location: 19q13.2.
Variant type: Indel.
Coding change: c.20_22delinsCTCCAGCATCCAGTT on transcript NM_001022.4 (MANE Select); coding-DNA positions 20 to 22, AAG replaced by CTCCAGCATCCAGTT.
Protein change: p.Lys7_Asp8delinsThrProAlaSerSerTyr.
Molecular consequence: inframe indel.
Genome position (GRCh38, 1-based): chr19:41,860,794-41,860,796, AAG replaced by CTCCAGCATCCAGTT. VCF-style: chr19-41860794-AAG-CTCCAGCATCCAGTT. GRCh37 (hg19) VCF-style: chr19-42364864-AAG-CTCCAGCATCCAGTT.
Other names: c.20_22delinsCTCCAGCATCCAGTT, p.Lys7_Asp8delinsThrProAlaSerSerTyr (NM_001321483.2, NM_001321484.2, NM_001321485.2).
Identifiers: ClinVar variation 2581165 (VCV002581165.1), dbSNP rs2513666035, ClinGen allele CA2582342956.

ClinVar aggregate classification (germline): Uncertain significance (1 of 4 stars; one submission).

Submission:

Women's Health and Genetics/Laboratory Corporation of America, LabCorp
Classification: Uncertain significance. Last evaluated: 2023-08-16. Review status: criteria provided, single submitter. Criteria: LabCorp Variant Classification Summary - May 2015. Collection method: clinical testing. Allele origin: germline.
Comment: Variant summary: RPS19 c.20_22delins15 (p.Lys7_Asp8delinsThrProAlaSerSerTyr) results in an in-frame deletion-insertion that is predicted to delete 2 amino acid and insert 6 amino acids from the protein. The variant was absent in 251432 control chromosomes. The available data on variant occurrences in the general population are insufficient to allow any conclusion about variant significance. To our knowledge, no occurrence of c.20_22delins15 in individuals affected with Diamond-Blackfan Anemia 1 and no experimental evidence demonstrating its impact on protein function have been reported. No submitters have cited clinical-significance assessments for this variant to ClinVar after 2014. Based on the evidence outlined above, the variant was classified as uncertain significance.